The following is an entry in ClinVar:

ClinVar aggregate classification (germline): Benign (0 of 4 stars; one submission).

Conditions:
MYO16-related disorder. Also called: MYO16-related condition.

Allele frequency attached by ClinVar (database versions not stated): 1000 Genomes Project 0.04752; 1000 Genomes Project 30x 0.04966; gnomAD 0.06261; TOPMed 0.06479; ESP Exome Variant Server 0.06945; ExAC 0.22250.
gnomAD v4.1: 100,307 of 1,453,130 alleles (6.9%); highest among the groups gnomAD compares: African/African-American, 7.6%; 3,794 homozygotes.

Submission:

PreventionGenetics, part of Exact Sciences
Classification: Benign for MYO16-related condition. Last evaluated: 2020-01-02. Review status: no assertion criteria provided. Collection method: clinical testing. Allele origin: germline.
Comment: This variant is classified as benign based on ACMG/AMP sequence variant interpretation guidelines (Richards et al. 2015 PMID: 25741868, with internal and published modifications).

NM_001198950.3(MYO16):c.4864G>T (p.Ala1622Ser)

Gene: MYO16 (myosin XVI; plus strand). Cytogenetic location: 13q33.3.
Variant type: single nucleotide variant.
Coding change: c.4864G>T on transcript NM_001198950.3 (MANE Select); coding-DNA position 4864, G replaced by T.
Protein change: p.Ala1622Ser; replaces alanine 1622 with serine.
Molecular consequence: missense variant.
Genome position (GRCh38, 1-based): chr13:109,141,076, G>T. VCF-style: chr13-109141076-G-T. GRCh37 (hg19) VCF-style: chr13-109793424-G-T.
Other names: c.4798G>T, p.Ala1600Ser (NM_015011.3); short protein forms A1600S, A1622S.
Identifiers: ClinVar variation 3055500 (VCV003055500.2), dbSNP rs113648411, ClinGen allele CA7045788.